The following is an entry in ClinVar:

NM_001040108.2(MLH3):c.3086G>T (p.Arg1029Ile)

Gene: MLH3 (mutL homolog 3; minus strand). Cytogenetic location: 14q24.3.
Variant type: single nucleotide variant.
Coding change: c.3086G>T on transcript NM_001040108.2 (MANE Select); coding-DNA position 3086, G replaced by T.
Protein change: p.Arg1029Ile; replaces arginine 1029 with isoleucine.
Molecular consequence: missense variant.
Genome position (GRCh38, 1-based): chr14:75,046,570, C>A on the plus strand (G>T on the coding strand, the complement: MLH3 is on the minus strand). VCF-style: chr14-75046570-C-A. GRCh37 (hg19) VCF-style: chr14-75513273-C-A.
Other names: c.3086G>T, p.Arg1029Ile (NM_014381.3); short protein forms R1029I.
Identifiers: ClinVar variation 1727405 (VCV001727405.3), dbSNP rs1186146297, ClinGen allele CA390436431.

ClinVar aggregate classification (germline): Uncertain significance (1 of 4 stars; one submission).

Allele frequency attached by ClinVar (database versions not stated): gnomAD exomes below 0.00001; TOPMed 0.00002; gnomAD 0.00001.

Submission:

Ambry Genetics
Classification: Uncertain significance. Last evaluated: 2025-11-30. Review status: criteria provided, single submitter. Criteria: Ambry Variant Classification Scheme 2023. Collection method: clinical testing. Allele origin: germline.
Comment: The p.R1029I variant (also known as c.3086G>T), located in coding exon 1 of the MLH3 gene, results from a G to T substitution at nucleotide position 3086. The arginine at codon 1029 is replaced by isoleucine, an amino acid with similar properties. This amino acid position is conserved. In addition, this alteration is predicted to be tolerated by in silico analysis. Since supporting evidence is limited at this time, the clinical significance of this alteration remains unclear.